The following is an entry in ClinVar:

NM_005565.5(LCP2):c.325-107T>C

Gene: LCP2 (lymphocyte cytosolic protein 2; minus strand). Cytogenetic location: 5q35.1.
Variant type: single nucleotide variant.
Coding change: c.325-107T>C on transcript NM_005565.5 (MANE Select); 107 bases into the intron before coding-DNA position 325, T replaced by C.
Molecular consequence: intron variant.
Genome position (GRCh38, 1-based): chr5:170,271,024, A>G on the plus strand (T>C on the coding strand, the complement: LCP2 is on the minus strand). VCF-style: chr5-170271024-A-G. GRCh37 (hg19) VCF-style: chr5-169698028-A-G.
Identifiers: ClinVar variation 2688156 (VCV002688156.2), dbSNP rs315744, ClinGen allele CA12016365.

ClinVar aggregate classification (germline): Benign (1 of 4 stars; one submission).

Allele frequency attached by ClinVar (database versions not stated): gnomAD exomes 0.52928; gnomAD 0.54338; TOPMed 0.55050; 1000 Genomes Project 30x 0.60650; 1000 Genomes Project 0.61282.
gnomAD v4.1: 511,773 of 962,866 alleles (53%); highest among the groups gnomAD compares: East Asian, 87%; 139,447 homozygotes.

Submission:

Unidad de Genómica Garrahan, Hospital de Pediatría Garrahan
Classification: Benign. Last evaluated: 2024-01-24. Review status: criteria provided, single submitter. Criteria: ACMG Guidelines, 2015. Collection method: clinical testing. Allele origin: germline. Affected: no. Observed: 42 variant alleles.
Comment: This variant is classified as Benign based on local population frequency. This variant was detected in 44% of patients studied by a panel of primary immunodeficiencies. Number of patients: 42. Only high quality variants are reported.